The following is an entry in ClinVar:

NM_001127222.2(CACNA1A):c.6630CCA[6] (p.His2217_His2219del)

Gene: CACNA1A (calcium voltage-gated channel subunit alpha1 A; minus strand). Cytogenetic location: 19p13.13.
Variant type: Microsatellite.
Coding change: c.6630CCA[6] on transcript NM_001127222.2 (MANE Select); six copies in a row of the 3-base unit CCA starting at c.6630; the reference has nine copies in a row; three copies, 9 bases deleted.
Protein change: p.His2217_His2219del.
Molecular consequence: inframe deletion.
Genome position (GRCh38, 1-based): chr19:13,208,880-13,208,888, TGGTGGTGG deleted on the plus strand (CCACCACCA on the coding strand, the reverse complement: CACNA1A is on the minus strand); deleting any 9 consecutive bases within chr19:13,208,880-13,208,908 gives the same sequence; the position shown is the placement nearest the transcript's 3' end. VCF-style (leftmost placement, unchanged base first): chr19-13208879-ATGGTGGTGG-A. GRCh37 (hg19) VCF-style: chr19-13319693-ATGGTGGTGG-A.
Other names: c.6651_6659delCCACCACCA (NM_001127221.1); c.6648CCA[6], p.His2223_His2225del (NM_000068.4, NM_023035.3); c.6633CCA[6], p.His2218_His2220del (NM_001127221.2); c.6639CCA[6], p.His2220_His2222del (NM_001174080.2); c.6648_6656del9 (NM_001127222.1).
Identifiers: ClinVar variation 422030 (VCV000422030.13), dbSNP rs759331923, ClinGen allele CA9239306.

ClinVar aggregate classification (germline): Conflicting classifications of pathogenicity. Review status: criteria provided, conflicting classifications (1 of 4 stars). 4 submissions from 4 submitters: Uncertain significance (1); Likely benign (3). Last evaluated 2024-11-26.

Conditions:
CACNA1A-related disorder. Also called: CACNA1A-related condition.
Inborn genetic diseases. Identifiers: MedGen C0950123, MeSH D030342.

Submissions (4):

PreventionGenetics, part of Exact Sciences
Classification: Likely benign for CACNA1A-related condition. Last evaluated: 2024-11-26. Review status: criteria provided, single submitter. Criteria: ACMG Guidelines, 2015. Collection method: clinical testing. Allele origin: germline.
Comment: This variant is classified as likely benign based on ACMG/AMP sequence variant interpretation guidelines (Richards et al. 2015 PMID: 25741868, with internal and published modifications).

GeneDx
Classification: Likely benign. Last evaluated: 2021-10-26. Review status: criteria provided, single submitter. Criteria: GeneDx Variant Classification Process June 2021. Collection method: clinical testing. Allele origin: germline. Affected: yes.

Ambry Genetics
Classification: Likely benign for Inborn genetic diseases. Last evaluated: 2018-10-24. Review status: criteria provided, single submitter. Criteria: Ambry Variant Classification Scheme 2023. Collection method: clinical testing. Allele origin: germline.

Eurofins Ntd Llc (ga)
Classification: Uncertain significance. Last evaluated: 2016-11-30. Review status: criteria provided, single submitter. Criteria: EGL Classification Definitions 2015. Collection method: clinical testing. Allele origin: germline. Observed: 2 variant alleles, 2 heterozygotes.